The following is an entry in ClinVar:

NM_000059.4(BRCA2):c.2938G>T (p.Asp980Tyr)

Gene: BRCA2 (BRCA2 DNA repair associated; plus strand). Cytogenetic location: 13q13.1.
Variant type: single nucleotide variant.
Coding change: c.2938G>T on transcript NM_000059.4 (MANE Select); coding-DNA position 2938, G replaced by T.
Protein change: p.Asp980Tyr; replaces aspartic acid 980 with tyrosine.
Molecular consequence: missense variant.
Genome position (GRCh38, 1-based): chr13:32,337,293, G>T. VCF-style: chr13-32337293-G-T. GRCh37 (hg19) VCF-style: chr13-32911430-G-T.
Other names: 3166G>T; short protein forms D980Y.
Identifiers: ClinVar variation 37809 (VCV000037809.20), dbSNP rs397507298, ClinGen allele CA016836.

ClinVar aggregate classification (germline): Conflicting classifications of pathogenicity. Review status: criteria provided, conflicting classifications (1 of 4 stars). 9 submissions from 9 submitters: Uncertain significance (7); Likely benign (1). 1 of the submissions does not count toward it. Last evaluated 2026-01-12.

Conditions:
Hereditary cancer-predisposing syndrome. Also called: Tumor predisposition; Neoplastic Syndromes, Hereditary; Hereditary neoplastic syndrome; Hereditary Cancer Syndrome. Identifiers: Orphanet 140162, MedGen C0027672, MeSH D009386, MONDO:0015356.
Hereditary breast ovarian cancer syndrome. Also called: Hereditary breast and ovarian cancer; Hereditary breast and ovarian cancer syndrome (HBOC); Hereditary breast and/or ovarian cancer syndrome; Breast and ovarian cancer; Hereditary breast and ovarian cancer syndrome; BRCA1- and BRCA2-Associated Hereditary Breast and Ovarian Cancer. Identifiers: Orphanet 145, MedGen C0677776, MeSH D061325, MONDO:0003582. Disease mechanism: loss of function.
Breast-ovarian cancer, familial, susceptibility to, 2 (BROVCA2). Also called: BRCA2 Hereditary Breast and Ovarian Cancer. Identifiers: Orphanet 145, MedGen C2675520, MONDO:0012933, OMIM 612555. Disease mechanism: loss of function.

Allele frequency attached by ClinVar (database versions not stated): TOPMed 0.00002.
gnomAD v4.1: 2 of 1,612,560 alleles (0.00012%); highest among the groups gnomAD compares: African/African-American, 0.0013%; no homozygotes.

Submissions (9):

Labcorp Genetics (formerly Invitae), Labcorp
Classification: Uncertain significance for Hereditary breast ovarian cancer syndrome. Last evaluated: 2026-01-12. Review status: criteria provided, single submitter. Criteria: Invitae Variant Classification Sherloc (09022015). Collection method: clinical testing. Allele origin: germline.
Comment: This sequence change replaces aspartic acid, which is acidic and polar, with tyrosine, which is neutral and polar, at codon 980 of the BRCA2 protein (p.Asp980Tyr). This variant is not present in population databases (gnomAD no frequency). This variant has not been reported in the literature in individuals affected with BRCA2-related conditions. ClinVar contains an entry for this variant (Variation ID: 37809). Invitae Evidence Modeling of protein sequence and biophysical properties (such as structural, functional, and spatial information, amino acid conservation, physicochemical variation, residue mobility, and thermodynamic stability) indicates that this missense variant is not expected to disrupt BRCA2 protein function with a negative predictive value of 95%. In summary, the available evidence is currently insufficient to determine the role of this variant in disease. Therefore, it has been classified as a Variant of Uncertain Significance.

Color Diagnostics, LLC DBA Color Health
Classification: Uncertain significance for Hereditary cancer-predisposing syndrome. Last evaluated: 2025-07-03. Review status: criteria provided, single submitter. Criteria: ACMG Guidelines, 2015. Collection method: clinical testing. Allele origin: germline.
Comment: This missense variant replaces aspartic acid with tyrosine at codon 980 of the BRCA2 protein. Computational prediction suggests that this variant may not impact protein structure and function. To our knowledge, functional studies have not been reported for this variant. This variant has not been reported in individuals affected with BRCA2-related disorders in the literature. This variant has not been identified in the general population by the Genome Aggregation Database (gnomAD). The available evidence is insufficient to determine the role of this variant in disease conclusively. Therefore, this variant is classified as a Variant of Uncertain Significance.

Ambry Genetics
Classification: Uncertain significance for Hereditary cancer-predisposing syndrome. Last evaluated: 2024-03-08. Review status: criteria provided, single submitter. Criteria: Ambry Variant Classification Scheme 2023. Collection method: clinical testing. Allele origin: germline.
Comment: The p.D980Y variant (also known as c.2938G>T), located in coding exon 10 of the BRCA2 gene, results from a G to T substitution at nucleotide position 2938. The aspartic acid at codon 980 is replaced by tyrosine, an amino acid with highly dissimilar properties. This amino acid position is not well conserved in available vertebrate species. In addition, this alteration is predicted to be tolerated by in silico analysis. Since supporting evidence is limited at this time, the clinical significance of this alteration remains unclear.

All of Us Research Program, National Institutes of Health
Classification: Uncertain significance for Breast-ovarian cancer, familial, susceptibility to, 2. Last evaluated: 2023-11-30. Review status: criteria provided, single submitter. Criteria: ACMG Guidelines, 2015. Collection method: clinical testing. Allele origin: germline. Inheritance: Autosomal dominant inheritance. Observed: 1 variant allele, 1 heterozygote.
Comment: This missense variant replaces aspartic acid with tyrosine at codon 980 of the BRCA2 protein. Computational prediction suggests that this variant may not impact protein structure and function (internally defined REVEL score threshold <= 0.5, PMID: 27666373). To our knowledge, functional studies have not been reported for this variant. This variant has not been reported in individuals affected with hereditary cancer in the literature. This variant has not been identified in the general population by the Genome Aggregation Database (gnomAD). The available evidence is insufficient to determine the role of this variant in disease conclusively. Therefore, this variant is classified as a Variant of Uncertain Significance.

This study involves interpretation of variants in research participants for the purpose of population health screening. Participant phenotype was not available at the time of variant classification. Additional details can be found in publication PMID: 35346344, PMCID: PMC8962531

University of Washington Department of Laboratory Medicine, University of Washington
Classification: Likely benign for Hereditary cancer-predisposing syndrome. Last evaluated: 2023-03-23. Review status: criteria provided, single submitter. Criteria: Dines et al. (Genet Med. 2020). Collection method: curation. Allele origin: germline.
Comment: Missense variant in a coldspot region where missense variants are very unlikely to be pathogenic (PMID:31911673).

BRCA2 exon 11 coldspot. Reclassification based on statistical prior probability.

Women's Health and Genetics/Laboratory Corporation of America, LabCorp
Classification: Uncertain significance. Last evaluated: 2022-12-18. Review status: criteria provided, single submitter. Criteria: LabCorp Variant Classification Summary - May 2015. Collection method: clinical testing. Allele origin: germline.

GeneDx
Classification: Uncertain significance. Last evaluated: 2017-04-13. Review status: criteria provided, single submitter. Criteria: GeneDx Variant Classification (06012015). Collection method: clinical testing. Allele origin: germline. Affected: yes.
Comment: This variant is denoted BRCA2 c.2938G>T at the cDNA level, p.Asp980Tyr (D980Y) at the protein level, and results in the change of an Aspartic Acid to a Tyrosine (GAT>TAT). Using alternate nomenclature, this variant would be defined as BRCA2 3166G>T. This variant has not, to our knowledge, been published in the literature as pathogenic or benign. BRCA2 Asp980Tyr was not observed in large population cohorts (NHLBI Exome Sequencing Project, The 1000 Genomes Consortium 2015, Lek 2016). Since Aspartic Acid and Tyrosine differ in polarity, charge, size or other properties, this is considered a non-conservative amino acid substitution. BRCA2 Asp980Tyr occurs at a position that is not conserved and is not located in a known functional domain. In silico analyses are inconsistent regarding the effect this variant may have on protein structure and function. Based on currently available evidence, it is unclear whether BRCA2 Asp980Tyr is a pathogenic or benign variant. We consider it to be a variant of uncertain significance.

Quest Diagnostics Nichols Institute San Juan Capistrano
Classification: Uncertain significance. Last evaluated: 2016-12-05. Review status: criteria provided, single submitter. Criteria: Quest Diagnostics criteria. Collection method: clinical testing. Allele origin: germline.

Sharing Clinical Reports Project (SCRP)
Classification: Uncertain significance for Breast-ovarian cancer, familial 2. Last evaluated: 2012-05-16. Review status: no assertion criteria provided. Collection method: clinical testing. Allele origin: germline. Not counted in ClinVar's aggregate classification.

Literature cited by the submitters: PubMed 23929434 (cited by Quest Diagnostics Nichols Institute San Juan Capistrano).